The following is an entry in ClinVar:

NM_001145678.3(KIAA0825):c.2173A>T (p.Lys725Ter)

Gene: KIAA0825 (KIAA0825; minus strand). Cytogenetic location: 5q15.
Variant type: single nucleotide variant.
Coding change: c.2173A>T on transcript NM_001145678.3 (MANE Select); coding-DNA position 2173, A replaced by T.
Protein change: p.Lys725Ter; replaces lysine 725 with a stop codon.
Molecular consequence: nonsense. On other transcripts: non-coding transcript variant (1).
Genome position (GRCh38, 1-based): chr5:94,462,460, T>A on the plus strand (A>T on the coding strand, the complement: KIAA0825 is on the minus strand). VCF-style: chr5-94462460-T-A. GRCh37 (hg19) VCF-style: chr5-93798165-T-A.
Other names: c.2173A>T, p.Lys725Ter (NM_001385712.1, NM_001385713.1, NM_001388325.1); short protein forms K725*.
Identifiers: ClinVar variation 599402 (VCV000599402.6), dbSNP rs956457873, ClinGen allele CA123355193.

ClinVar aggregate classification (germline): Conflicting classifications of pathogenicity. Review status: criteria provided, conflicting classifications (1 of 4 stars). 5 submissions from 5 submitters: Likely pathogenic (1); Uncertain significance (1). 3 of the submissions do not count toward it. Last evaluated 2022-12-23.

Conditions:
Polydactyly, postaxial, type A1. Identifiers: MedGen C4282400, MONDO:0008266, OMIM 174200.
Autosomal recessive nonsyndromic postaxial polydactyly.
Polydactyly, postaxial, type a10. Identifiers: MedGen C5193129, MONDO:0032785, OMIM 618498.

Allele frequency attached by ClinVar (database versions not stated): gnomAD 0.00001; gnomAD exomes 0.00001; TOPMed 0.00002.
gnomAD v4.1: 7 of 1,531,282 alleles (0.00046%); highest among the groups gnomAD compares: African/African-American, 0.0041%; no homozygotes.

Submissions (5):

GeneDx
Classification: Uncertain significance. Last evaluated: 2022-12-23. Review status: criteria provided, single submitter. Criteria: GeneDx Variant Classification Process June 2021. Collection method: clinical testing. Allele origin: germline. Affected: yes.
Comment: Nonsense variant predicted to result in protein truncation or nonsense mediated decay in a gene or region of a gene for which loss of function is not a well-established mechanism of disease; Not observed at significant frequency in large population cohorts (gnomAD); This variant is associated with the following publications: (PMID: 30982135)

Juno Genomics, Hangzhou Juno Genomics, Inc
Classification: Likely pathogenic for Polydactyly, postaxial, type a10. Review status: criteria provided, single submitter. Criteria: ACMG Guidelines, 2015. Collection method: clinical testing. Allele origin: germline.
Comment: Absent from controls (or at extremely low frequency if recessive) in Genome Aggregation Database.;Null variant in a gene where loss of function (LOF) is a known mechanism of disease.;For recessive disorders, detected in trans with a pathogenic variant.;Co-segregation with disease in multiple affected family members.;Patient's phenotype or family history is highly specific for a disease with a single genetic etiology.

OMIM
Classification: Pathogenic for POLYDACTYLY, POSTAXIAL, TYPE A10. Last evaluated: 2019-07-09. Review status: no assertion criteria provided. Collection method: literature only. Allele origin: germline. Not counted in ClinVar's aggregate classification.

Center for Statistical Genetics, Columbia University
Classification: Pathogenic for Polydactyly, postaxial, type A1. Last evaluated: 2019-01-15. Review status: no assertion criteria provided. Collection method: research. Allele origin: germline. Affected: yes. Observed: 1 homozygote. Not counted in ClinVar's aggregate classification.

University of Washington Center for Mendelian Genomics, University of Washington
Classification: Likely pathogenic for Autosomal recessive nonsyndromic postaxial polydactyly. Review status: no assertion criteria provided. Collection method: research. Allele origin: inherited. Affected: yes. Not counted in ClinVar's aggregate classification.

Literature cited by the submitters: PubMed 30982135 (cited by OMIM and University of Washington Center for Mendelian Genomics, University of Washington).